The following is an entry in ClinVar:

NM_001378452.1(ITPR1):c.2053G>A (p.Glu685Lys)

Gene: ITPR1 (inositol 1,4,5-trisphosphate receptor type 1; plus strand). Cytogenetic location: 3p26.1.
Variant type: single nucleotide variant.
Coding change: c.2053G>A on transcript NM_001378452.1 (MANE Select); coding-DNA position 2053, G replaced by A.
Protein change: p.Glu685Lys; replaces glutamic acid 685 with lysine.
Molecular consequence: missense variant.
Genome position (GRCh38, 1-based): chr3:4,670,775, G>A. VCF-style: chr3-4670775-G-A. GRCh37 (hg19) VCF-style: chr3-4712459-G-A.
Other names: c.2053G>A, p.Glu685Lys (NM_001099952.4); c.2008G>A, p.Glu670Lys (NM_001168272.2, NM_002222.7); short protein forms E670K, E685K.
Identifiers: ClinVar variation 2985469 (VCV002985469.3), dbSNP rs2470742287, ClinGen allele CA351645000.

ClinVar aggregate classification (germline): Uncertain significance (1 of 4 stars; one submission).

Submission:

Labcorp Genetics (formerly Invitae), Labcorp
Classification: Uncertain significance. Last evaluated: 2024-10-22. Review status: criteria provided, single submitter. Criteria: Invitae Variant Classification Sherloc (09022015). Collection method: clinical testing. Allele origin: germline.
Comment: This sequence change replaces glutamic acid, which is acidic and polar, with lysine, which is basic and polar, at codon 670 of the ITPR1 protein (p.Glu670Lys). This variant is not present in population databases (gnomAD no frequency). This variant has not been reported in the literature in individuals affected with ITPR1-related conditions. Invitae Evidence Modeling of protein sequence and biophysical properties (such as structural, functional, and spatial information, amino acid conservation, physicochemical variation, residue mobility, and thermodynamic stability) indicates that this missense variant is not expected to disrupt ITPR1 protein function with a negative predictive value of 80%. In summary, the available evidence is currently insufficient to determine the role of this variant in disease. Therefore, it has been classified as a Variant of Uncertain Significance.